The following is an entry in ClinVar:

ClinVar aggregate classification (germline): Likely benign. Review status: criteria provided, multiple submitters, no conflicts (2 of 4 stars). 3 submissions from 3 submitters: Likely benign (3). Last evaluated 2026-04-07.

Conditions:
Inborn genetic diseases. Identifiers: MedGen C0950123, MeSH D030342.

Allele frequency attached by ClinVar (database versions not stated): ExAC 0.00002; gnomAD exomes 0.00002 and 0.00004; TOPMed 0.00002; gnomAD 0.00001.
gnomAD v4.1: 13 of 1,613,956 alleles (0.00081%); highest among the groups gnomAD compares: Admixed American, 0.022%; no homozygotes.

Submissions (3):

Women's Health and Genetics/Laboratory Corporation of America, LabCorp
Classification: Likely benign. Last evaluated: 2026-04-07. Review status: criteria provided, single submitter. Criteria: LabCorp Variant Classification Summary - May 2015. Collection method: clinical testing. Allele origin: germline.
Comment: Variant summary: SETBP1 c.3442C>T (p.His1148Tyr) results in a conservative amino acid change in the encoded protein sequence. Algorithms developed to predict the effect of missense changes on protein structure and function are either unavailable or do not agree on the potential impact of this missense change. The variant allele was found at a frequency of 4.4e-05 in 251294 control chromosomes. This frequency is not significantly higher than estimated for disease-causing variants in SETBP1, however the observation of these control individuals is not consistent with the early onset/severe presentation of SETBP1-related conditions. To our knowledge, no occurrence of c.3442C>T in individuals affected with SETBP1-related conditions and no experimental evidence demonstrating its impact on protein function have been reported. ClinVar contains an entry for this variant (Variation ID: 1512606). Based on the evidence outlined above, the variant was classified as likely benign.

Labcorp Genetics (formerly Invitae), Labcorp
Classification: Likely benign. Last evaluated: 2026-01-26. Review status: criteria provided, single submitter. Criteria: Invitae Variant Classification Sherloc (09022015). Collection method: clinical testing. Allele origin: germline.

Ambry Genetics
Classification: Likely benign for Inborn genetic diseases. Last evaluated: 2024-09-26. Review status: criteria provided, single submitter. Criteria: Ambry Variant Classification Scheme 2023. Collection method: clinical testing. Allele origin: germline.

NM_015559.3(SETBP1):c.3442C>T (p.His1148Tyr)

Gene: SETBP1 (SET binding protein 1; plus strand). Cytogenetic location: 18q12.3.
Variant type: single nucleotide variant.
Coding change: c.3442C>T on transcript NM_015559.3 (MANE Select); coding-DNA position 3442, C replaced by T.
Protein change: p.His1148Tyr; replaces histidine 1148 with tyrosine.
Molecular consequence: missense variant.
Genome position (GRCh38, 1-based): chr18:44,952,782, C>T. VCF-style: chr18-44952782-C-T. GRCh37 (hg19) VCF-style: chr18-42532747-C-T.
Other names: c.3442C>T (NM_015559.2); c.3442C>T, p.His1148Tyr (NM_001379141.1, NM_001379142.1); short protein forms H1148Y.
Identifiers: ClinVar variation 1512606 (VCV001512606.8), dbSNP rs754068953, ClinGen allele CA8945909.